The following is an entry in ClinVar:

NM_006767.4(LZTR1):c.736C>T (p.Gln246Ter)

Gene: LZTR1 (leucine zipper like post translational regulator 1; plus strand). Cytogenetic location: 22q11.21.
Variant type: single nucleotide variant.
Coding change: c.736C>T on transcript NM_006767.4 (MANE Select); coding-DNA position 736, C replaced by T.
Protein change: p.Gln246Ter; replaces glutamine 246 with a stop codon.
Molecular consequence: nonsense.
Genome position (GRCh38, 1-based): chr22:20,990,470, C>T. VCF-style: chr22-20990470-C-T. GRCh37 (hg19) VCF-style: chr22-21344759-C-T.
Other names: c.736C>T (NM_006767.3); short protein forms Q246*.
Identifiers: ClinVar variation 1801829 (VCV001801829.6), dbSNP rs768702304, ClinGen allele CA10118604.

ClinVar aggregate classification (germline): Pathogenic/Likely pathogenic. Review status: criteria provided, multiple submitters, no conflicts (2 of 4 stars). 4 submissions from 4 submitters: Pathogenic (2); Likely pathogenic (2). Last evaluated 2024-12-24.

Conditions:
Hereditary cancer-predisposing syndrome. Also called: Neoplastic Syndromes, Hereditary; Tumor predisposition; Hereditary Cancer Syndrome; Hereditary neoplastic syndrome. Identifiers: Orphanet 140162, MedGen C0027672, MeSH D009386, MONDO:0015356.
Cardiovascular phenotype. Identifiers: MedGen CN230736.
LZTR1-related disorder. Also called: LZTR1-related disorders; LZTR1-related condition.
Hypertrophic cardiomyopathy 1 (CMH1). Also called: MYH7-Related Familial Hypertrophic Cardiomyopathy; Familial hypertrophic cardiomyopathy 1. Identifiers: MedGen C3495498, MONDO:0008647, OMIM 192600.

Allele frequency attached by ClinVar (database versions not stated): gnomAD exomes below 0.00001; ExAC 0.00001.
gnomAD v4.1: 1 of 1,613,974 alleles (0.000062%); highest among the groups gnomAD compares: Non-Finnish European, 0.000085%; no homozygotes.

Submissions (4):

Ambry Genetics
Classification: Pathogenic for Cardiovascular phenotype; Hereditary cancer-predisposing syndrome. Last evaluated: 2024-12-24. Review status: criteria provided, single submitter. Criteria: Ambry Variant Classification Scheme 2023. Collection method: clinical testing. Allele origin: germline.
Comment: The p.Q246* pathogenic mutation (also known as c.736C>T), located in coding exon 8 of the LZTR1 gene, results from a C to T substitution at nucleotide position 736. This changes the amino acid from a glutamine to a stop codon within coding exon 8. This alteration is expected to result in loss of function by premature protein truncation or nonsense-mediated mRNA decay. Loss-of-function variants in LZTR1 are related to an increased risk for schwannomas and autosomal recessive Noonan syndrome; however, such associations with autosomal dominant Noonan syndrome have not been observed (Piotrowski A et al. Nat Genet. 2014 Feb;46:182-7; Yamamoto GL et al. J Med Genet. 2015 Jun;52:413-21; Johnston JJ et al. Genet Med. 2018 10;20:1175-1185). Based on the supporting evidence, this variant is pathogenic for an increased risk of LZTR1-related schwannomatosis (SWN) and would be expected to cause autosomal recessive Noonan syndrome when present along with a second pathogenic or likely pathogenic variant on the other allele; however, the association of this alteration with autosomal dominant Noonan syndrome is unlikely.

Labcorp Genetics (formerly Invitae), Labcorp
Classification: Pathogenic. Last evaluated: 2024-03-02. Review status: criteria provided, single submitter. Criteria: Invitae Variant Classification Sherloc (09022015). Collection method: clinical testing. Allele origin: germline.
Comment: This sequence change creates a premature translational stop signal (p.Gln246*) in the LZTR1 gene. It is expected to result in an absent or disrupted protein product. Loss-of-function variants in LZTR1 are known to be pathogenic (PMID: 24362817, 25335493, 25480913, 25795793, 29469822, 30368668, 30442762, 30442766, 30481304, 30859559). This variant is present in population databases (rs768702304, gnomAD 0.0009%). This variant has not been reported in the literature in individuals affected with LZTR1-related conditions. ClinVar contains an entry for this variant (Variation ID: 1801829). For these reasons, this variant has been classified as Pathogenic.

Laboratorio de Biologia Molecular - Genetica, Hospital de Pediatria Garrahan
Classification: Likely pathogenic for Hypertrophic cardiomyopathy 1. Last evaluated: 2022-12-01. Review status: criteria provided, single submitter. Criteria: ACMG Guidelines, 2015. Collection method: clinical testing. Allele origin: unknown. Inheritance: Sporadic. Affected: yes. Observed: 1 heterozygote.
Comment: The variant c.736C>T (p.Gln246*) is located in exon 8 of the gene and in the kelch 4 domain of the protein. This variant produces a truncated protein. It is not present in gnomad database and the in silico analysys for this kind of variants predict a deleterious effect. According to the ACMG guidelines this variant is classified as likely pathogenic

Rady Children's Institute for Genomic Medicine, Rady Children's Hospital San Diego
Classification: Likely pathogenic for LZTR1-related disorders. Review status: criteria provided, single submitter. Criteria: ACMG Guidelines, 2015. Collection method: clinical testing. Allele origin: germline. Affected: yes.
Comment: This nonsense variant found in exon 8 of 21 is predicted to result in loss of normal protein function through either protein truncation or nonsense-mediated mRNA decay (NMD). This variant has not been previously reported or functionally characterized in the literature to our knowledge. It is present in the heterozygous state in the gnomAD population database at a frequency of 0.0004% (1/251208) and thus is presumed to be rare. Based on the available evidence, the c.736C>T (p.Gln246Ter) variant is classified as Likely Pathogenic.

Literature cited by the submitters: PubMed 24362817 (cited by Labcorp Genetics (formerly Invitae), Labcorp); PubMed 25335493 (cited by Labcorp Genetics (formerly Invitae), Labcorp); PubMed 25480913 (cited by Labcorp Genetics (formerly Invitae), Labcorp); PubMed 25795793 (cited by Labcorp Genetics (formerly Invitae), Labcorp); PubMed 29469822 (cited by Labcorp Genetics (formerly Invitae), Labcorp); PubMed 30368668 (cited by Labcorp Genetics (formerly Invitae), Labcorp); PubMed 30442762 (cited by Labcorp Genetics (formerly Invitae), Labcorp); PubMed 30442766 (cited by Labcorp Genetics (formerly Invitae), Labcorp); PubMed 30481304 (cited by Labcorp Genetics (formerly Invitae), Labcorp); PubMed 30859559 (cited by Labcorp Genetics (formerly Invitae), Labcorp).